The following is an entry in ClinVar:

ClinVar aggregate classification (germline): Uncertain significance (1 of 4 stars; one submission).

Conditions:
Gastrointestinal stromal tumor. Also called: Gastrointestinal stromal tumor, somatic; Gastrointestinal stroma tumor. Identifiers: Orphanet 44890, MedGen C0238198, MeSH D046152, MONDO:0011719, OMIM 606764, HP:0100723.

Submission:

Labcorp Genetics (formerly Invitae), Labcorp
Classification: Uncertain significance for Gastrointestinal stromal tumor. Last evaluated: 2024-11-11. Review status: criteria provided, single submitter. Criteria: Invitae Variant Classification Sherloc (09022015). Collection method: clinical testing. Allele origin: germline.
Comment: This sequence change replaces threonine, which is neutral and polar, with alanine, which is neutral and non-polar, at codon 632 of the PDGFRA protein (p.Thr632Ala). This variant is not present in population databases (gnomAD no frequency). This variant has not been reported in the literature in individuals affected with PDGFRA-related conditions. An algorithm developed to predict the effect of missense changes on protein structure and function (PolyPhen-2) suggests that this variant is likely to be tolerated. In summary, the available evidence is currently insufficient to determine the role of this variant in disease. Therefore, it has been classified as a Variant of Uncertain Significance.

NM_006206.6(PDGFRA):c.1894A>G (p.Thr632Ala)

Gene: PDGFRA (platelet derived growth factor receptor alpha; plus strand). Cytogenetic location: 4q12.
Variant type: single nucleotide variant.
Coding change: c.1894A>G on transcript NM_006206.6 (MANE Select); coding-DNA position 1894, A replaced by G.
Protein change: p.Thr632Ala; replaces threonine 632 with alanine.
Molecular consequence: missense variant.
Genome position (GRCh38, 1-based): chr4:54,277,898, A>G. VCF-style: chr4-54277898-A-G. GRCh37 (hg19) VCF-style: chr4-55144065-A-G.
Other names: c.1894A>G, p.Thr632Ala (NM_001347827.2, NM_001347829.2); c.1969A>G, p.Thr657Ala (NM_001347828.2); c.1933A>G, p.Thr645Ala (NM_001347830.2); short protein forms T645A, T657A, T632A.
Identifiers: ClinVar variation 3724974 (VCV003724974.2).